The following is an entry in ClinVar:

ClinVar aggregate classification (germline): Uncertain significance (1 of 4 stars; one submission).

Conditions:
Cardiovascular phenotype. Identifiers: MedGen CN230736.

Submission:

Ambry Genetics
Classification: Uncertain significance for Cardiovascular phenotype. Last evaluated: 2024-10-24. Review status: criteria provided, single submitter. Criteria: Ambry Variant Classification Scheme 2023. Collection method: clinical testing. Allele origin: germline.
Comment: The p.A194G variant (also known as c.581C>G), located in coding exon 1 of the FOXE3 gene, results from a C to G substitution at nucleotide position 581. The alanine at codon 194 is replaced by glycine, an amino acid with similar properties. This amino acid position is conserved. In addition, this alteration is predicted to be tolerated by in silico analysis. Based on the available evidence, the clinical significance of this variant remains unclear.

NM_012186.3(FOXE3):c.581C>G (p.Ala194Gly)

Genes: FOXE3 (forkhead box E3; plus strand), LINC01389 (long intergenic non-protein coding RNA 1389; minus strand). Cytogenetic location: 1p33.
Variant type: single nucleotide variant.
Coding change: c.581C>G on transcript NM_012186.3 (MANE Select); coding-DNA position 581, C replaced by G.
Protein change: p.Ala194Gly; replaces alanine 194 with glycine.
Molecular consequence: missense variant.
Genome position (GRCh38, 1-based): chr1:47,416,896, C>G. VCF-style: chr1-47416896-C-G. GRCh37 (hg19) VCF-style: chr1-47882568-C-G.
Other names: short protein forms A194G.
Identifiers: ClinVar variation 3516706 (VCV003516706.1).